The following is an entry in ClinVar:

NM_004646.4(NPHS1):c.2899G>T (p.Gly967Trp)

Gene: NPHS1 (NPHS1 adhesion molecule, nephrin; minus strand). Cytogenetic location: 19q13.12.
Variant type: single nucleotide variant.
Coding change: c.2899G>T on transcript NM_004646.4 (MANE Select); coding-DNA position 2899, G replaced by T.
Protein change: p.Gly967Trp; replaces glycine 967 with tryptophan.
Molecular consequence: missense variant.
Genome position (GRCh38, 1-based): chr19:35,839,524, C>A on the plus strand (G>T on the coding strand, the complement: NPHS1 is on the minus strand). VCF-style: chr19-35839524-C-A. GRCh37 (hg19) VCF-style: chr19-36330426-C-A.
Other names: short protein forms G967W.
Identifiers: ClinVar variation 1398361 (VCV001398361.6), dbSNP rs1973023933, ClinGen allele CA405385902.

ClinVar aggregate classification (germline): Uncertain significance (1 of 4 stars; one submission).

Allele frequency attached by ClinVar (database versions not stated): TOPMed below 0.00001.

Submission:

Labcorp Genetics (formerly Invitae), Labcorp
Classification: Uncertain significance. Last evaluated: 2021-05-19. Review status: criteria provided, single submitter. Criteria: Invitae Variant Classification Sherloc (09022015). Collection method: clinical testing. Allele origin: germline.
Comment: In summary, the available evidence is currently insufficient to determine the role of this variant in disease. Therefore, it has been classified as a Variant of Uncertain Significance. Algorithms developed to predict the effect of missense changes on protein structure and function (SIFT, PolyPhen-2, Align-GVGD) all suggest that this variant is likely to be disruptive, but these predictions have not been confirmed by published functional studies and their clinical significance is uncertain. This variant has not been reported in the literature in individuals with NPHS1-related conditions. This variant is not present in population databases (ExAC no frequency). This sequence change replaces glycine with tryptophan at codon 967 of the NPHS1 protein (p.Gly967Trp). The glycine residue is highly conserved and there is a large physicochemical difference between glycine and tryptophan.